The following is an entry in ClinVar:

ClinVar aggregate classification (germline): Conflicting classifications of pathogenicity. Review status: criteria provided, conflicting classifications (1 of 4 stars). 4 submissions from 4 submitters: Uncertain significance (2); Benign (1). 1 of the submissions does not count toward it. Last evaluated 2026-03-18.

Conditions:
Epidermolysis bullosa simplex with nail dystrophy (EBS5D). Identifiers: MedGen C4225309, MONDO:0014661, OMIM 616487.
Epidermolysis bullosa simplex, Ogna type (EBS5A). Also called: Pidermolysis bullosa simplex 5A, Ogna type; EPIDERMOLYSIS BULLOSA SIMPLEX 5A, OGNA TYPE. Identifiers: Orphanet 79401, MedGen C0432317, MONDO:0007555, OMIM 131950.
Epidermolysis bullosa simplex 5B, with muscular dystrophy (EBS5B). Also called: EPIDERMOLYSIS BULLOSA SIMPLEX AND LIMB-GIRDLE MUSCULAR DYSTROPHY; Epidermolysis bullosa simplex with muscular dystrophy. Identifiers: Orphanet 257, MedGen C2931072, MONDO:0009181, OMIM 226670.
Epidermolysis bullosa simplex 5C, with pyloric atresia (EBS5C). Also called: PLEC-Related Epidermolysis Bullosa with Pyloric Atresia; Epidermolysis bullosa simplex with pyloric atresia; PLEC1-Related Epidermolysis Bullosa with Pyloric Atresia. Identifiers: Orphanet 158684, MedGen C2677349, MONDO:0012807, OMIM 612138.
Autosomal recessive limb-girdle muscular dystrophy type 2Q (LGMDR17). Also called: MUSCULAR DYSTROPHY, LIMB-GIRDLE, AUTOSOMAL RECESSIVE 17. Identifiers: Orphanet 254361, MedGen C3150989, MONDO:0013390, OMIM 613723.
PLEC-related disorder. Also called: PLEC-related condition; PLEC-related disorders.

Allele frequency attached by ClinVar (database versions not stated): gnomAD 0.00006; gnomAD exomes 0.00007 and 0.00038; 1000 Genomes Project 30x 0.00016; 1000 Genomes Project 0.00020; TOPMed 0.00022; ExAC 0.00033.
gnomAD v4.1: 110 of 1,612,444 alleles (0.0068%); highest among the groups gnomAD compares: Admixed American, 0.17%; 1 homozygote.

Submissions (4):

GeneDx
Classification: Uncertain significance. Last evaluated: 2026-03-18. Review status: criteria provided, single submitter. Criteria: GeneDx Variant Classification Process June 2021. Collection method: clinical testing. Allele origin: germline. Affected: yes.
Comment: In silico analysis suggests this variant may impact gene splicing. In the absence of RNA/functional studies, the actual effect of this sequence change is unknown.; Has not been previously published as pathogenic or benign to our knowledge

Labcorp Genetics (formerly Invitae), Labcorp
Classification: Benign for Autosomal recessive limb-girdle muscular dystrophy type 2Q; Epidermolysis bullosa simplex, Ogna type; Epidermolysis bullosa simplex with nail dystrophy; Epidermolysis bullosa simplex 5C, with pyloric atresia; Epidermolysis bullosa simplex 5B, with muscular dystrophy. Last evaluated: 2026-01-13. Review status: criteria provided, single submitter. Criteria: Invitae Variant Classification Sherloc (09022015). Collection method: clinical testing. Allele origin: germline.

Athena Diagnostics
Classification: Uncertain significance. Last evaluated: 2025-07-01. Review status: criteria provided, single submitter. Criteria: Athena Diagnostics Criteria. Collection method: clinical testing. Allele origin: unknown.
Comment: Available data are insufficient to determine the clinical significance of the variant at this time. The frequency of this variant in the general population is higher than would generally be expected for pathogenic variants in this gene. Computational tools yielded predictions that this variant may interfere with normal RNA splicing.

PreventionGenetics, part of Exact Sciences
Classification: Likely benign for PLEC-related condition. Last evaluated: 2024-08-06. Review status: no assertion criteria provided. Collection method: clinical testing. Allele origin: germline. Not counted in ClinVar's aggregate classification.
Comment: This variant is classified as likely benign based on ACMG/AMP sequence variant interpretation guidelines (Richards et al. 2015 PMID: 25741868, with internal and published modifications).

NM_201384.3(PLEC):c.1816-7C>G

Gene: PLEC (plectin; minus strand). Cytogenetic location: 8q24.3.
Variant type: single nucleotide variant.
Coding change: c.1816-7C>G on transcript NM_201384.3 (MANE Select); 7 bases into the intron before coding-DNA position 1816, C replaced by G.
Molecular consequence: intron variant.
Genome position (GRCh38, 1-based): chr8:143,932,568, G>C on the plus strand (C>G on the coding strand, the complement: PLEC is on the minus strand). VCF-style: chr8-143932568-G-C. GRCh37 (hg19) VCF-style: chr8-145006736-G-C.
Other names: c.1897-7C>G (NM_000445.5); c.1774-7C>G (NM_201378.4); c.1750-7C>G (NM_201379.3); c.2227-7C>G (NM_201380.4); c.1720-7C>G (NM_201381.3); c.1816-7C>G (NM_201382.4); c.1828-7C>G (NM_201383.3).
Identifiers: ClinVar variation 384941 (VCV000384941.15), dbSNP rs201141391, ClinGen allele CA4927827.
Genomic context (GRCh38, chr8:143,932,568, plus strand): 5'-TGCCACAAAGCTGTGCAAGCTCTCCAGGGACCTGAGGCGGGCCTTGGAGGAGTTCTGTGG[G>C]CAGGAGGGTGCGTGTCAGCAGGCCGCGGGCTACCCACCTCCCCCGGCTGGCCCTGCCCCC-3'